The following is an entry in ClinVar:

ClinVar aggregate classification (germline): Uncertain significance (1 of 4 stars; one submission).

Submission:

GeneDx
Classification: Uncertain significance. Last evaluated: 2024-01-31. Review status: criteria provided, single submitter. Criteria: GeneDx Variant Classification Process June 2021. Collection method: clinical testing. Allele origin: germline. Affected: yes.
Comment: Not observed at significant frequency in large population cohorts (gnomAD); In silico analysis supports that this missense variant has a deleterious effect on protein structure/function; Has not been previously published as pathogenic or benign to our knowledge

NM_001242896.3(DEPDC5):c.3691A>G (p.Met1231Val)

Gene: DEPDC5 (DEP domain containing 5, GATOR1 subcomplex subunit; plus strand). Cytogenetic location: 22q12.3.
Variant type: single nucleotide variant.
Coding change: c.3691A>G on transcript NM_001242896.3 (MANE Select); coding-DNA position 3691, A replaced by G.
Protein change: p.Met1231Val; replaces methionine 1231 with valine.
Molecular consequence: missense variant. On other transcripts: non-coding transcript variant (4).
Genome position (GRCh38, 1-based): chr22:31,874,400, A>G. VCF-style: chr22-31874400-A-G. GRCh37 (hg19) VCF-style: chr22-32270386-A-G.
Other names: c.3664A>G, p.Met1222Val (NM_001136029.4); c.3391A>G, p.Met1131Val (NM_001242897.2); c.3625A>G, p.Met1209Val (NM_001363852.2, NM_001364320.2); c.3457A>G, p.Met1153Val (NM_001363854.2, NM_001364319.2); c.3691A>G, p.Met1231Val (NM_001364318.2); c.3607A>G, p.Met1203Val (NM_001369901.1, NM_001369902.1); c.3598A>G, p.Met1200Val (NM_001369903.1, NM_014662.6); short protein forms M1131V, M1231V, M1153V, M1222V, M1203V, M1209V, M1200V.
Identifiers: ClinVar variation 423382 (VCV000423382.4), dbSNP rs1064796392, ClinGen allele CA16621112.